The following is an entry in ClinVar:

ClinVar aggregate classification (germline): Uncertain significance. Review status: criteria provided, multiple submitters, no conflicts (2 of 4 stars). 3 submissions from 3 submitters: Uncertain significance (3). Last evaluated 2025-06-29.

Conditions:
Hereditary cancer-predisposing syndrome. Also called: Tumor predisposition; Neoplastic Syndromes, Hereditary; Hereditary Cancer Syndrome; Hereditary neoplastic syndrome. Identifiers: Orphanet 140162, MedGen C0027672, MeSH D009386, MONDO:0015356.
Neuroblastoma, susceptibility to, 3. Also called: ALK-Related Neuroblastic Tumor Susceptibility. Identifiers: Orphanet 635, MedGen C2751681, MONDO:0013083, OMIM 613014.

gnomAD v4.1: 1 of 1,614,224 alleles (0.000062%); highest among the groups gnomAD compares: Non-Finnish European, 0.000085%; no homozygotes.

Submissions (3):

Ambry Genetics
Classification: Uncertain significance for Hereditary cancer-predisposing syndrome. Last evaluated: 2025-06-29. Review status: criteria provided, single submitter. Criteria: Ambry Variant Classification Scheme 2023. Collection method: clinical testing. Allele origin: germline.
Comment: The p.R1496K variant (also known as c.4487G>A), located in coding exon 29 of the ALK gene, results from a G to A substitution at nucleotide position 4487. The arginine at codon 1496 is replaced by lysine, an amino acid with highly similar properties. This amino acid position is conserved. In addition, the in silico prediction for this alteration is inconclusive. Based on the available evidence, the clinical significance of this variant remains unclear.

Mendelics
Classification: Uncertain significance. Last evaluated: 2022-05-04. Review status: criteria provided, single submitter. Criteria: Mendelics Assertion Criteria 2019. Collection method: clinical testing. Allele origin: germline.

Labcorp Genetics (formerly Invitae), Labcorp
Classification: Uncertain significance for Neuroblastoma, susceptibility to, 3. Last evaluated: 2020-10-21. Review status: criteria provided, single submitter. Criteria: Invitae Variant Classification Sherloc (09022015). Collection method: clinical testing. Allele origin: germline.
Comment: This sequence change replaces arginine with lysine at codon 1496 of the ALK protein (p.Arg1496Lys). The arginine residue is highly conserved and there is a small physicochemical difference between arginine and lysine. This variant is not present in population databases (ExAC no frequency). This variant has not been reported in the literature in individuals with ALK-related conditions. In summary, the available evidence is currently insufficient to determine the role of this variant in disease. Therefore, it has been classified as a Variant of Uncertain Significance. Algorithms developed to predict the effect of missense changes on protein structure and function are either unavailable or do not agree on the potential impact of this missense change (SIFT: "Deleterious"; PolyPhen-2: "Probably Damaging"; Align-GVGD: "Class C0").

NM_004304.5(ALK):c.4487G>A (p.Arg1496Lys)

Gene: ALK (ALK receptor tyrosine kinase; minus strand). Cytogenetic location: 2p23.2.
Variant type: single nucleotide variant.
Coding change: c.4487G>A on transcript NM_004304.5 (MANE Select); coding-DNA position 4487, G replaced by A.
Protein change: p.Arg1496Lys; replaces arginine 1496 with lysine.
Molecular consequence: missense variant.
Genome position (GRCh38, 1-based): chr2:29,193,600, C>T on the plus strand (G>A on the coding strand, the complement: ALK is on the minus strand). VCF-style: chr2-29193600-C-T. GRCh37 (hg19) VCF-style: chr2-29416466-C-T.
Other names: c.4487G>A (NM_004304.4); c.1283G>A, p.Arg428Lys (NM_001353765.2); short protein forms R1496K, R428K.
Identifiers: ClinVar variation 1062198 (VCV001062198.11), dbSNP rs2148138148, ClinGen allele CA346461274.